The following is an entry in ClinVar:

ClinVar aggregate classification (germline): Uncertain significance (1 of 4 stars; one submission).

Conditions:
Fanconi anemia (FA). Also called: Fanconi's anemia. Identifiers: Orphanet 84, MedGen C0015625, MeSH D005199, MONDO:0019391.

gnomAD v4.1: 1 of 1,614,012 alleles (0.000062%); highest among the groups gnomAD compares: South Asian, 0.0011%; no homozygotes.

Submission:

Labcorp Genetics (formerly Invitae), Labcorp
Classification: Uncertain significance for Fanconi anemia. Last evaluated: 2021-07-29. Review status: criteria provided, single submitter. Criteria: Invitae Variant Classification Sherloc (09022015). Collection method: clinical testing. Allele origin: germline.
Comment: This variant has not been reported in the literature in individuals affected with FANCA-related conditions. This variant is not present in population databases (ExAC no frequency). This sequence change replaces leucine with valine at codon 210 of the FANCA protein (p.Leu210Val). The leucine residue is moderately conserved and there is a small physicochemical difference between leucine and valine. In summary, the available evidence is currently insufficient to determine the role of this variant in disease. Therefore, it has been classified as a Variant of Uncertain Significance. Advanced modeling of protein sequence and biophysical properties (such as structural, functional, and spatial information, amino acid conservation, physicochemical variation, residue mobility, and thermodynamic stability) performed at Invitae indicates that this missense variant is not expected to disrupt FANCA protein function.

NM_000135.4(FANCA):c.628C>G (p.Leu210Val)

Gene: FANCA (FA complementation group A; minus strand). Cytogenetic location: 16q24.3.
Variant type: single nucleotide variant.
Coding change: c.628C>G on transcript NM_000135.4 (MANE Select); coding-DNA position 628, C replaced by G.
Protein change: p.Leu210Val; replaces leucine 210 with valine.
Molecular consequence: missense variant.
Genome position (GRCh38, 1-based): chr16:89,805,361, G>C on the plus strand (C>G on the coding strand, the complement: FANCA is on the minus strand). VCF-style: chr16-89805361-G-C. GRCh37 (hg19) VCF-style: chr16-89871769-G-C.
Other names: c.628C>G, p.Leu210Val (NM_001018112.3, NM_001286167.3); c.532C>G, p.Leu178Val (NM_001351830.2); short protein forms L178V, L210V.
Identifiers: ClinVar variation 1400760 (VCV001400760.6), dbSNP rs2143632135, ClinGen allele CA397478122.